The following is an entry in ClinVar:

ClinVar aggregate classification (germline): Conflicting classifications of pathogenicity. Review status: criteria provided, conflicting classifications (1 of 4 stars). 5 submissions from 5 submitters: Uncertain significance (4); Likely benign (1). Last evaluated 2024-01-20.

Conditions:
Brugada syndrome 2 (BRGDA2). Identifiers: Orphanet 130, MedGen C2673193, MONDO:0012728, OMIM 611777.
Cardiovascular phenotype. Identifiers: MedGen CN230736.
Brugada syndrome. Also called: Sudden unexplained nocturnal death syndrome; Sudden Unexplained Death Syndrome; Sudden Unexplained Nocturnal Death Syndrome (SUNDS); Sudden unexpected nocturnal death syndrome. Identifiers: Orphanet 130, MedGen C1142166, MONDO:0015263.

Allele frequency attached by ClinVar (database versions not stated): ExAC below 0.00001; gnomAD exomes below 0.00001 and 0.00002; TOPMed below 0.00001; gnomAD 0.00001.
gnomAD v4.1: 30 of 1,596,926 alleles (0.0019%); highest among the groups gnomAD compares: Middle Eastern, 0.45%; 1 homozygote.

Submissions (5):

Labcorp Genetics (formerly Invitae), Labcorp
Classification: Uncertain significance for Brugada syndrome. Last evaluated: 2024-01-20. Review status: criteria provided, single submitter. Criteria: Invitae Variant Classification Sherloc (09022015). Collection method: clinical testing. Allele origin: germline.
Comment: This sequence change replaces alanine, which is neutral and non-polar, with glutamic acid, which is acidic and polar, at codon 326 of the GPD1L protein (p.Ala326Glu). This variant is present in population databases (rs774304068, gnomAD 0.003%). This missense change has been observed in individual(s) with atrial fibrillation (PMID: 29714131). ClinVar contains an entry for this variant (Variation ID: 218714). Advanced modeling of protein sequence and biophysical properties (such as structural, functional, and spatial information, amino acid conservation, physicochemical variation, residue mobility, and thermodynamic stability) performed at Invitae indicates that this missense variant is not expected to disrupt GPD1L protein function with a negative predictive value of 80%. Experimental studies have shown that this missense change does not substantially affect GPD1L function (PMID: 29714131). In summary, the available evidence is currently insufficient to determine the role of this variant in disease. Therefore, it has been classified as a Variant of Uncertain Significance.

Blueprint Genetics
Classification: Likely benign. Last evaluated: 2022-02-22. Review status: criteria provided, single submitter. Criteria: ACMG Guidelines, 2015. Collection method: clinical testing. Allele origin: germline.

Fulgent Genetics
Classification: Uncertain significance for Brugada syndrome 2. Last evaluated: 2021-08-11. Review status: criteria provided, single submitter. Criteria: ACMG Guidelines, 2015. Collection method: clinical testing. Allele origin: unknown.

Ambry Genetics
Classification: Uncertain significance for Cardiovascular phenotype. Last evaluated: 2020-11-16. Review status: criteria provided, single submitter. Criteria: Ambry Variant Classification Scheme 2023. Collection method: clinical testing. Allele origin: germline.
Comment: The p.A326E variant (also known as c.977C>A), located in coding exon 8 of the GPD1L gene, results from a C to A substitution at nucleotide position 977. The alanine at codon 326 is replaced by glutamic acid, an amino acid with dissimilar properties. In vitro assays suggested that this variant may result in reduced sodium current when compared to wild type; however, the differences seen were not statistically significant (Denti F et al. Per Med, 2018 03;15:93-102). This amino acid position is highly conserved in available vertebrate species. In addition, this alteration is predicted to be deleterious by in silico analysis. Since supporting evidence is limited at this time, the clinical significance of this alteration remains unclear.

Genomic Diagnostic Laboratory, Division of Genomic Diagnostics, Children's Hospital of Philadelphia
Classification: Uncertain significance. Last evaluated: 2015-07-10. Review status: criteria provided, single submitter. Criteria: DGD Variant Analysis Guidelines. Collection method: clinical testing. Allele origin: unknown.

Literature cited by the submitters: PubMed 29714131 (cited by Labcorp Genetics (formerly Invitae), Labcorp and Ambry Genetics).

NM_015141.4(GPD1L):c.977C>A (p.Ala326Glu)

Gene: GPD1L (glycerol-3-phosphate dehydrogenase 1 like; plus strand). Cytogenetic location: 3p22.3.
Variant type: single nucleotide variant.
Coding change: c.977C>A on transcript NM_015141.4 (MANE Select); coding-DNA position 977, C replaced by A.
Protein change: p.Ala326Glu; replaces alanine 326 with glutamic acid.
Molecular consequence: missense variant.
Genome position (GRCh38, 1-based): chr3:32,165,831, C>A. VCF-style: chr3-32165831-C-A. GRCh37 (hg19) VCF-style: chr3-32207323-C-A.
Other names: short protein forms A326E.
Identifiers: ClinVar variation 218714 (VCV000218714.10), dbSNP rs774304068, ClinGen allele CA249027.
Genomic context (GRCh38, chr3:32,165,831, plus strand): 5'-TCCAGTGGCCTAACTTTGTCTTTTCACATTTCCTCCCAACTAGGTTTCCATTGTTTACTG[C>A]AGTGTATCAGATCTGCTACGAAAGCAGACCAGTTCAAGAGATGTTGTCTTGTCTTCAGAG-3'
Protein context (NP_055956.1, residues 316-336): GLLDKFPLFT[Ala326Glu]VYQICYESRP